The following is an entry in ClinVar:

ClinVar aggregate classification (germline): Conflicting classifications of pathogenicity. Review status: criteria provided, conflicting classifications (1 of 4 stars). 17 submissions from 17 submitters: Uncertain significance (14); Likely benign (2). 1 of the submissions does not count toward it. Last evaluated 2026-08-11.

Conditions:
Hereditary cancer. Identifiers: MedGen C1333600.
Familial cancer of breast. Also called: hereditary breast carcinoma; BREAST CANCER, FAMILIAL; Hereditary breast cancer. Identifiers: Orphanet 227535, MedGen C0346153, MONDO:0016419, OMIM 114480. Disease mechanism: loss of function.
Ataxia-telangiectasia syndrome (AT). Also called: ATAXIA-TELANGIECTASIA, COMPLEMENTATION GROUP A; ATAXIA-TELANGIECTASIA, FRESNO VARIANT; Ataxia-telangiectasia; Ataxia-telangiectasia, complementation group E; Cerebello-oculocutaneous telangiectasia; Immunodeficiency with ataxia telangiectasia. Identifiers: Orphanet 100, MedGen C0004135, MONDO:0008840, OMIM 208900.
Hereditary cancer-predisposing syndrome. Also called: Hereditary Cancer Syndrome; Tumor predisposition; Neoplastic Syndromes, Hereditary; Hereditary neoplastic syndrome. Identifiers: Orphanet 140162, MedGen C0027672, MeSH D009386, MONDO:0015356.
Hereditary breast ovarian cancer syndrome. Also called: Hereditary breast and ovarian cancer syndrome; Hereditary breast and ovarian cancer syndrome (HBOC); Hereditary breast and ovarian cancer; Hereditary breast and/or ovarian cancer syndrome; BRCA1- and BRCA2-Associated Hereditary Breast and Ovarian Cancer; Breast and ovarian cancer. Identifiers: Orphanet 145, MedGen C0677776, MeSH D061325, MONDO:0003582. Disease mechanism: loss of function.

Allele frequency attached by ClinVar (database versions not stated): gnomAD exomes below 0.00001.
gnomAD v4.1: 14 of 1,614,094 alleles (0.00087%); highest among the groups gnomAD compares: Middle Eastern, 0.017%; no homozygotes.

Submissions (17):

German Consortium for Hereditary Breast and Ovarian Cancer, University Hospital Cologne
Classification: Likely benign for Hereditary breast ovarian cancer syndrome. Last evaluated: 2026-08-11. Review status: criteria provided, single submitter. Criteria: ClinGen ATM V1.5.0. Collection method: curation. Allele origin: germline.
Comment: This classification follows the ClinGen ACMG ATM v1.5.0 classification scheme; We chose this criterion: BS3 (medium benign): Hanenberg (2025, PMID: 40105422): Functional Lee (2025, PMID: 40580951): Functional

Labcorp Genetics (formerly Invitae), Labcorp
Classification: Likely benign for Ataxia-telangiectasia syndrome. Last evaluated: 2025-12-22. Review status: criteria provided, single submitter. Criteria: Invitae Variant Classification Sherloc (09022015). Collection method: clinical testing. Allele origin: germline.

Ambry Genetics
Classification: Uncertain significance for Hereditary cancer-predisposing syndrome. Last evaluated: 2025-04-24. Review status: criteria provided, single submitter. Criteria: Ambry Variant Classification Scheme 2023. Collection method: clinical testing. Allele origin: germline.
Comment: The p.N2412S variant (also known as c.7235A>G), located in coding exon 48 of the ATM gene, results from an A to G substitution at nucleotide position 7235. The asparagine at codon 2412 is replaced by serine, an amino acid with highly similar properties. This alteration has been identified in multiple individuals diagnosed with breast cancer (Hauke J et al. Cancer Med, 2018 04;7:1349-1358; Nunziato M et al. Anal Chim Acta, 2019 Jan;1046:154-162; Akcay IM et al. Int J Cancer, 2021 Jan;148:285-295). This alteration has also been reported in 2/1197 individuals from Greece, Romania, and Turkey undergoing evaluation for inherited cancer predisposition (Tsaousis GN et al. BMC Cancer, 2019 Jun;19:535). This amino acid position is highly conserved in available vertebrate species. In addition, the in silico prediction for this alteration is inconclusive. Based on the available evidence, the clinical significance of this variant remains unclear.

Center for Genomic Medicine, Rigshospitalet, Copenhagen University Hospital
Classification: Uncertain significance. Last evaluated: 2025-03-04. Review status: criteria provided, single submitter. Criteria: ACMG Guidelines, 2015. Collection method: clinical testing. Allele origin: germline.

Mendelics
Classification: Uncertain significance for Hereditary cancer. Last evaluated: 2025-02-26. Review status: criteria provided, single submitter. Criteria: ACMG Guidelines, 2015. Collection method: clinical testing. Allele origin: unknown.
Comment: The available evidence is insufficient to conclusively determine the role of this variant. Therefore, it is classified as a Variant of Uncertain Significance.

Molecular Diagnostics Laboratory, Catalan Institute of Oncology
Classification: Uncertain significance for Hereditary cancer-predisposing syndrome. Last evaluated: 2025-02-23. Review status: criteria provided, single submitter. Criteria: ClinGen ACMG Specifications ATM V1.1.0. Collection method: clinical testing. Allele origin: germline.
Comment: PM2_Supporting c.7235A>G, located in exon 49 of the ATM gene, is predicted to result in the substitution of asparagine by serine at codon 2412, p.(Asn2412Ser). This variant is found in 1/268133 alleles at a frequency of 0.0004% in the gnomAD v2.1.1 database, non-cancer dataset (PM2_supporting). The SpliceAI algorithm predicts no significant impact on splicing and the REVEL meta-predictor score (0.499) for this variant is indeterminate regarding the effect that it may have on protein function. To our knowledge, neither relevant clinical data nor well-stablished functional studies have been reported for this variant. It has been reported in the ClinVar database (1x likely benign, 11x uncertain significance) and in the LOVD database (2x uncertain significance). Based on the currently available information, c.7235A>G is classified as an uncertain significance variant according to ClinGen-ATM Guidelines version v1.1.

Color Diagnostics, LLC DBA Color Health
Classification: Uncertain significance for Hereditary cancer-predisposing syndrome. Last evaluated: 2024-11-14. Review status: criteria provided, single submitter. Criteria: ACMG Guidelines, 2015. Collection method: clinical testing. Allele origin: germline.
Comment: This missense variant replaces asparagine with serine at codon 2412 of the ATM protein. Computational prediction suggests that this variant may not impact protein structure and function. To our knowledge, functional studies have not been reported for this variant. In a large international case-control study, this variant was reported in 0/60466 breast cancer cases and 1/53460 controls (PMID: 33471991). This variant has been reported in individuals affected with breast cancer and colorectal cancer (PMID: 28135145, 30482293). This variant has also been identified in 1/251290 chromosomes in the general population by the Genome Aggregation Database (gnomAD). The available evidence is insufficient to determine the role of this variant in disease conclusively. Therefore, this variant is classified as a Variant of Uncertain Significance.

Baylor Genetics
Classification: Uncertain significance for Familial cancer of breast. Last evaluated: 2024-03-03. Review status: criteria provided, single submitter. Criteria: ACMG Guidelines, 2015. Collection method: clinical testing. Allele origin: unknown.

CeGaT Center for Human Genetics Tuebingen
Classification: Uncertain significance. Last evaluated: 2023-09-01. Review status: criteria provided, single submitter. Criteria: CeGaT Center For Human Genetics Tuebingen Variant Classification Criteria Version 2. Collection method: clinical testing. Allele origin: germline. Affected: yes. Observed: 1 variant allele.
Comment: ATM: PM2

Women's Health and Genetics/Laboratory Corporation of America, LabCorp
Classification: Uncertain significance. Last evaluated: 2022-04-25. Review status: criteria provided, single submitter. Criteria: LabCorp Variant Classification Summary - May 2015. Collection method: clinical testing. Allele origin: germline.
Comment: Variant summary: ATM c.7235A>G (p.Asn2412Ser) results in a conservative amino acid change in the encoded protein sequence. Three of five in-silico tools predict a damaging effect of the variant on protein function. The variant allele was found at a frequency of 4e-06 in 251290 control chromosomes. The available data on variant occurrences in the general population are insufficient to allow any conclusion about variant significance. c.7235A>G has been reported in the literature as a VUS in individuals undergoing multigene panel testing for colorectal/breast cancer (example, Yurgelun_2017, Tsaousis_2019). These report(s) do not provide unequivocal conclusions about association of the variant with Ataxia-Telangiectasia or ATM-related cancers. To our knowledge, no experimental evidence demonstrating an impact on protein function has been reported. Nine clinical diagnostic laboratories have submitted clinical-significance assessments for this variant to ClinVar after 2014 without evidence for independent evaluation. All laboratories classified the variant as uncertain significance. Based on the evidence outlined above, the variant was classified as uncertain significance.

Department of Pathology and Laboratory Medicine, Sinai Health System
Classification: Uncertain significance for Familial cancer of breast. Last evaluated: 2021-09-10. Review status: criteria provided, single submitter. Criteria: ACMG Guidelines, 2015. Collection method: research. Allele origin: germline.

Genome-Nilou Lab
Classification: Uncertain significance for Ataxia-telangiectasia syndrome. Last evaluated: 2021-07-14. Review status: criteria provided, single submitter. Criteria: ACMG Guidelines, 2015. Collection method: clinical testing. Allele origin: germline. Affected: no.

GeneDx
Classification: Uncertain significance. Last evaluated: 2021-03-17. Review status: criteria provided, single submitter. Criteria: GeneDx Variant Classification Process June 2021. Collection method: clinical testing. Allele origin: germline. Affected: yes.
Comment: Observed in individuals with a personal and/or family history of colorectal, breast, and/or ovarian cancer (Yurgelun 2017, Hauke 2018, Nunziato 2019, Tsaousis 2019).; Not observed at a significant frequency in large population cohorts (Lek 2016); In silico analysis supports that this missense variant does not alter protein structure/function; This variant is associated with the following publications: (PMID: 28135145, 29522266, 31159747, 30482293)

Fulgent Genetics
Classification: Uncertain significance for Familial cancer of breast; Ataxia-telangiectasia syndrome. Last evaluated: 2018-10-31. Review status: criteria provided, single submitter. Criteria: ACMG Guidelines, 2015. Collection method: clinical testing. Allele origin: unknown.

GeneKor MSA
Classification: Uncertain significance for Hereditary cancer-predisposing syndrome. Last evaluated: 2018-08-01. Review status: criteria provided, single submitter. Criteria: ACMG Guidelines, 2015. Collection method: clinical testing. Allele origin: germline. Affected: no.

Athena Diagnostics
Classification: Uncertain significance. Last evaluated: 2018-05-25. Review status: criteria provided, single submitter. Criteria: Athena Diagnostics Criteria. Collection method: clinical testing. Allele origin: germline.

Natera, Inc.
Classification: Uncertain significance for Ataxia-telangiectasia. Last evaluated: 2020-09-16. Review status: no assertion criteria provided. Collection method: clinical testing. Allele origin: germline. Not counted in ClinVar's aggregate classification.

Literature cited by the submitters: PubMed 28135145 (cited by 3 submitters); PubMed 29522266 (cited by Ambry Genetics); PubMed 30482293 (cited by Ambry Genetics and Color Diagnostics, LLC DBA Color Health); PubMed 31159747 (cited by Ambry Genetics and Women's Health and Genetics/Laboratory Corporation of America, LabCorp); PubMed 32658311 (cited by Ambry Genetics); PubMed 33471991 (cited by Color Diagnostics, LLC DBA Color Health).

NM_000051.4(ATM):c.7235A>G (p.Asn2412Ser)

Genes: ATM (ATM serine/threonine kinase; plus strand), C11orf65 (chromosome 11 open reading frame 65; minus strand). Cytogenetic location: 11q22.3.
Variant type: single nucleotide variant.
Coding change: c.7235A>G on transcript NM_000051.4 (MANE Select); coding-DNA position 7235, A replaced by G.
Protein change: p.Asn2412Ser; replaces asparagine 2412 with serine.
Molecular consequence: missense variant. On other transcripts: intron variant (2).
Genome position (GRCh38, 1-based): chr11:108,329,166, A>G. VCF-style: chr11-108329166-A-G. GRCh37 (hg19) VCF-style: chr11-108199893-A-G.
Other names: c.*38+6054T>C (NM_001351110.2); c.7235A>G, p.Asn2412Ser (NM_001351834.2); c.641-20095T>C (NM_001330368.2); short protein forms N2412S.
Identifiers: ClinVar variation 186904 (VCV000186904.58), dbSNP rs786203311, ClinGen allele CA196193.